The following is an entry in ClinVar:

NM_000027.4(AGA):c.693A>G (p.Ile231Met)

Gene: AGA (aspartylglucosaminidase; minus strand). Cytogenetic location: 4q34.3.
Variant type: single nucleotide variant.
Coding change: c.693A>G on transcript NM_000027.4 (MANE Select); coding-DNA position 693, A replaced by G.
Protein change: p.Ile231Met; replaces isoleucine 231 with methionine.
Molecular consequence: missense variant. On other transcripts: intron variant (1).
Genome position (GRCh38, 1-based): chr4:177,436,281, T>C on the plus strand (A>G on the coding strand, the complement: AGA is on the minus strand). VCF-style: chr4-177436281-T-C. GRCh37 (hg19) VCF-style: chr4-178357435-T-C.
Other names: c.676+17A>G (NM_001171988.2); short protein forms I231M.
Identifiers: ClinVar variation 648961 (VCV000648961.6), dbSNP rs1579042146, ClinGen allele CA358782388.
Genomic context (GRCh38, chr4:177,436,281, plus strand): 5'-TATTGCTCTGCATTCAGTGTATATTTGAGAGCTCTGTTCTTTTGGAAACACTAACCCATG[T>C]ATTTTGAATTTTATACCATTTGTAGATGTACCAGCAGCAATATGTCCTGTCTTATGGATT-3'
Protein context (NP_000018.2, residues 221-241): GTSTNGIKFK[Ile231Met]HGRVGDSPIP

ClinVar aggregate classification (germline): Uncertain significance (1 of 4 stars; one submission).

Conditions:
Aspartylglucosaminuria (AGU). Also called: Aspartylglucos-aminuria; Aspartylglucos-amidase (AGA) deficiency; AGA DEFICIENCY; GLYCOASPARAGINASE; GLYCOSYLASPARAGINASE DEFICIENCY. Identifiers: Orphanet 93, MedGen C0268225, MONDO:0008830, OMIM 208400, HP:0012068.

gnomAD v4.1: 2 of 1,610,450 alleles (0.00012%); highest among the groups gnomAD compares: African/African-American, 0.0013%; no homozygotes.

Submission:

Labcorp Genetics (formerly Invitae), Labcorp
Classification: Uncertain significance for Aspartylglucosaminuria. Last evaluated: 2021-08-24. Review status: criteria provided, single submitter. Criteria: Invitae Variant Classification Sherloc (09022015). Collection method: clinical testing. Allele origin: germline.
Comment: This sequence change replaces isoleucine with methionine at codon 231 of the AGA protein (p.Ile231Met). The isoleucine residue is highly conserved and there is a small physicochemical difference between isoleucine and methionine. This variant is not present in population databases (ExAC no frequency). This variant has not been reported in the literature in individuals affected with AGA-related conditions. Algorithms developed to predict the effect of missense changes on protein structure and function are either unavailable or do not agree on the potential impact of this missense change (SIFT: "Deleterious"; PolyPhen-2: "Probably Damaging"; Align-GVGD: "Class C0"). In summary, the available evidence is currently insufficient to determine the role of this variant in disease. Therefore, it has been classified as a Variant of Uncertain Significance.